The following is an entry in ClinVar:

NM_006648.4(WNK2):c.5020C>T (p.Pro1674Ser)

Gene: WNK2 (WNK lysine deficient protein kinase 2; plus strand). Cytogenetic location: 9q22.31.
Variant type: single nucleotide variant.
Coding change: c.5020C>T on transcript NM_006648.4 (MANE Select); coding-DNA position 5020, C replaced by T.
Protein change: p.Pro1674Ser; replaces proline 1674 with serine.
Molecular consequence: missense variant.
Genome position (GRCh38, 1-based): chr9:93,292,391, C>T. VCF-style: chr9-93292391-C-T. GRCh37 (hg19) VCF-style: chr9-96054673-C-T.
Other names: c.5131C>T, p.Pro1711Ser (NM_001282394.3); short protein forms P1711S, P1674S.
Identifiers: ClinVar variation 3470381 (VCV003470381.1).

ClinVar aggregate classification (germline): Uncertain significance (1 of 4 stars; one submission).

gnomAD v4.1: 2 of 1,613,850 alleles (0.00012%); highest among the groups gnomAD compares: South Asian, 0.0022%; no homozygotes.

Submission:

Ambry Genetics
Classification: Uncertain significance. Last evaluated: 2024-11-24. Review status: criteria provided, single submitter. Criteria: Ambry Variant Classification Scheme 2023. Collection method: clinical testing. Allele origin: germline.
Comment: The p.P1674S variant (also known as c.5020C>T), located in coding exon 21 of the WNK2 gene, results from a C to T substitution at nucleotide position 5020. The proline at codon 1674 is replaced by serine, an amino acid with similar properties. This amino acid position is conserved. In addition, this alteration is predicted to be tolerated by in silico analysis. Based on the available evidence, the clinical significance of this variant remains unclear.